The following is an entry in ClinVar:

NM_000168.6(GLI3):c.3083G>T (p.Ser1028Ile)

Gene: GLI3 (GLI family zinc finger 3; minus strand). Cytogenetic location: 7p14.1.
Variant type: single nucleotide variant.
Coding change: c.3083G>T on transcript NM_000168.6 (MANE Select); coding-DNA position 3083, G replaced by T.
Protein change: p.Ser1028Ile; replaces serine 1028 with isoleucine.
Molecular consequence: missense variant.
Genome position (GRCh38, 1-based): chr7:41,965,990, C>A on the plus strand (G>T on the coding strand, the complement: GLI3 is on the minus strand). VCF-style: chr7-41965990-C-A. GRCh37 (hg19) VCF-style: chr7-42005588-C-A.
Other names: p.S1028I:AGC>ATC; short protein forms S1028I.
Identifiers: ClinVar variation 137485 (VCV000137485.20), dbSNP rs79049330, ClinGen allele CA291094.

ClinVar aggregate classification (germline): Benign/Likely benign. Review status: criteria provided, multiple submitters, no conflicts (2 of 4 stars). 10 submissions from 8 submitters: Benign (6); Likely benign (1). 3 of the submissions do not count toward it. Last evaluated 2024-11-26.

Conditions:
Polydactyly. Also called: polydactylism. Identifiers: MedGen C0152427, MONDO:0021003, OMIM 603596, HP:0010442.
Greig cephalopolysyndactyly syndrome (GCPS). Also called: Greig syndrome; POLYSYNDACTYLY WITH PECULIAR SKULL SHAPE; GLI3-Related Greig Cephalopolysyndactyly Syndrome. Identifiers: Orphanet 380, MedGen C0265306, MONDO:0008287, OMIM 175700.
Pallister-Hall syndrome (PHS). Also called: GLI3-Related Pallister-Hall Syndrome; HYPOTHALAMIC HAMARTOBLASTOMA, HYPOPITUITARISM, IMPERFORATE ANUS, AND POSTAXIAL POLYDACTYLY. Identifiers: Orphanet 672, MedGen C0265220, MONDO:0007804, OMIM 146510.

Allele frequency attached by ClinVar (database versions not stated): 1000 Genomes Project 0.00639; 1000 Genomes Project 30x 0.00750; gnomAD exomes 0.01240 and 0.01953; gnomAD 0.01254 and 0.01304; TOPMed 0.01256; ExAC 0.01366; ESP Exome Variant Server 0.01425.
gnomAD v4.1: 29,922 of 1,604,554 alleles (1.9%); highest among the groups gnomAD compares: Non-Finnish European, 2.3%; 349 homozygotes.

Submissions (10):

Blueprint Genetics
Classification: Likely benign. Last evaluated: 2024-11-26. Review status: criteria provided, single submitter. Criteria: ACMG Guidelines, 2015. Collection method: clinical testing. Allele origin: germline.

ARUP Laboratories, Molecular Genetics and Genomics, ARUP Laboratories
Classification: Benign. Last evaluated: 2023-11-03. Review status: criteria provided, single submitter. Criteria: ARUP Molecular Germline Variant Investigation Process 2024. Collection method: clinical testing. Allele origin: germline.

Illumina Laboratory Services, Illumina
Classification: Benign for Pallister-Hall syndrome. Last evaluated: 2018-01-13. Review status: criteria provided, single submitter. Criteria: ICSL Variant Classification Criteria 13 December 2019. Collection method: clinical testing. Allele origin: germline.
Comment: This variant was observed in the ICSL laboratory as part of a predisposition screen in an ostensibly healthy population. It had not been previously curated by ICSL or reported in the Human Gene Mutation Database (HGMD: prior to June 1st, 2018), and was therefore a candidate for classification through an automated scoring system. Utilizing variant allele frequency, disease prevalence and penetrance estimates, and inheritance mode, an automated score was calculated to assess if this variant is too frequent to cause the disease. Based on the score and internal cut-off values, a variant classified as benign is not then subjected to further curation. The score for this variant resulted in a classification of benign for this disease.

Illumina Laboratory Services, Illumina
Classification: Benign for Polydactyly. Last evaluated: 2018-01-13. Review status: criteria provided, single submitter. Criteria: ICSL Variant Classification Criteria 13 December 2019. Collection method: clinical testing. Allele origin: germline.
Comment: the same text as in the submission from Illumina Laboratory Services, Illumina above.

Illumina Laboratory Services, Illumina
Classification: Benign for Greig cephalopolysyndactyly syndrome. Last evaluated: 2018-01-13. Review status: criteria provided, single submitter. Criteria: ICSL Variant Classification Criteria 13 December 2019. Collection method: clinical testing. Allele origin: germline.
Comment: the same text as in the submission from Illumina Laboratory Services, Illumina above.

GeneDx
Classification: Benign. Last evaluated: 2014-03-11. Review status: criteria provided, single submitter. Criteria: GeneDx Variant Classification (06012015). Collection method: clinical testing. Allele origin: germline. Affected: yes.
Comment: This variant is considered likely benign or benign based on one or more of the following criteria: it is a conservative change, it occurs at a poorly conserved position in the protein, it is predicted to be benign by multiple in silico algorithms, and/or has population frequency not consistent with disease.

PreventionGenetics, part of Exact Sciences
Classification: Benign. Review status: criteria provided, single submitter. Criteria: ACMG Guidelines, 2015. Collection method: clinical testing. Allele origin: germline.

Clinical Genetics, Academic Medical Center
Classification: Benign. Review status: no assertion criteria provided. Collection method: clinical testing. Allele origin: germline. Affected: yes. Study: VKGL Data-share Consensus. Not counted in ClinVar's aggregate classification.

Genome Diagnostics Laboratory, University Medical Center Utrecht
Classification: Benign. Review status: no assertion criteria provided. Collection method: clinical testing. Allele origin: germline. Affected: yes. Study: VKGL Data-share Consensus. Not counted in ClinVar's aggregate classification.

Laboratory of Diagnostic Genome Analysis, Leiden University Medical Center (LUMC)
Classification: Likely benign. Review status: no assertion criteria provided. Collection method: clinical testing. Allele origin: germline. Affected: yes. Study: VKGL Data-share Consensus. Not counted in ClinVar's aggregate classification.